The following is an entry in ClinVar:

NM_005228.5(EGFR):c.620G>A (p.Cys207Tyr)

Gene: EGFR (epidermal growth factor receptor; plus strand). Cytogenetic location: 7p11.2.
Variant type: single nucleotide variant.
Coding change: c.620G>A on transcript NM_005228.5 (MANE Select); coding-DNA position 620, G replaced by A.
Protein change: p.Cys207Tyr; replaces cysteine 207 with tyrosine.
Molecular consequence: missense variant. On other transcripts: intron variant (1).
Genome position (GRCh38, 1-based): chr7:55,151,354, G>A. VCF-style: chr7-55151354-G-A. GRCh37 (hg19) VCF-style: chr7-55219047-G-A.
Other names: c.485G>A, p.Cys162Tyr (NM_001346897.2, NM_001346899.2); c.620G>A, p.Cys207Tyr (NM_001346898.2, NM_201282.2, NM_201283.2 and 1 more transcripts); c.461G>A, p.Cys154Tyr (NM_001346900.2); c.89-4476G>A (NM_001346941.2); short protein forms C207Y, C154Y, C162Y.
Identifiers: ClinVar variation 3646680 (VCV003646680.2).

ClinVar aggregate classification (germline): Uncertain significance (1 of 4 stars; one submission).

Conditions:
EGFR-related lung cancer (EGFR). Identifiers: MedGen CN130014.

Submission:

Labcorp Genetics (formerly Invitae), Labcorp
Classification: Uncertain significance for EGFR-related lung cancer. Last evaluated: 2024-03-19. Review status: criteria provided, single submitter. Criteria: Invitae Variant Classification Sherloc (09022015). Collection method: clinical testing. Allele origin: germline.
Comment: This sequence change replaces cysteine, which is neutral and slightly polar, with tyrosine, which is neutral and polar, at codon 207 of the EGFR protein (p.Cys207Tyr). This variant is not present in population databases (gnomAD no frequency). This variant has not been reported in the literature in individuals affected with EGFR-related conditions. Advanced modeling of protein sequence and biophysical properties (such as structural, functional, and spatial information, amino acid conservation, physicochemical variation, residue mobility, and thermodynamic stability) performed at Invitae indicates that this missense variant is expected to disrupt EGFR protein function with a positive predictive value of 80%. In summary, the available evidence is currently insufficient to determine the role of this variant in disease. Therefore, it has been classified as a Variant of Uncertain Significance.